The following is an entry in ClinVar:

NM_001401501.2(MUC16):c.44136C>A (p.Gly14712=)

Gene: MUC16 (mucin 16, cell surface associated; minus strand). Cytogenetic location: 19p13.2.
Variant type: single nucleotide variant.
Coding change: c.44136C>A on transcript NM_001401501.2 (MANE Select); coding-DNA position 44136, C replaced by A.
Protein change: p.Gly14712=; no amino-acid change (glycine 14712 retained).
Molecular consequence: synonymous variant.
Genome position (GRCh38, 1-based): chr19:8,882,803, G>T on the plus strand (C>A on the coding strand, the complement: MUC16 is on the minus strand). VCF-style: chr19-8882803-G-T. GRCh37 (hg19) VCF-style: chr19-8993479-G-T.
Other names: c.44562C>A, p.Gly14854= (NM_001414686.1); c.44016C>A, p.Gly14672= (NM_001414687.1); c.41610C>A, p.Gly13870= (NM_024690.2).
Identifiers: ClinVar variation 3041683 (VCV003041683.2), dbSNP rs1355412791, ClinGen allele CA505283642.

ClinVar aggregate classification (germline): Likely benign (0 of 4 stars; one submission).

Conditions:
MUC16-related disorder. Also called: MUC16-related condition.

Allele frequency attached by ClinVar (database versions not stated): 1000 Genomes Project 30x 0.09135.

Submission:

PreventionGenetics, part of Exact Sciences
Classification: Likely benign for MUC16-related condition. Last evaluated: 2020-01-02. Review status: no assertion criteria provided. Collection method: clinical testing. Allele origin: germline.
Comment: This variant is classified as likely benign based on ACMG/AMP sequence variant interpretation guidelines (Richards et al. 2015 PMID: 25741868, with internal and published modifications).